The following is an entry in ClinVar:

ClinVar aggregate classification (germline): Uncertain significance. Review status: criteria provided, multiple submitters, no conflicts (2 of 4 stars). 2 submissions from 2 submitters: Uncertain significance (2). Last evaluated 2024-03-25.

Conditions:
Renal tubular dysgenesis of genetic origin. Also called: PRIMITIVE RENAL TUBULE SYNDROME. Identifiers: Orphanet 97369, MedGen C5681536, MONDO:0009970, OMIM 267430.

Allele frequency attached by ClinVar (database versions not stated): ESP Exome Variant Server 0.00015.
gnomAD v4.1: 482 of 1,613,142 alleles (0.03%); highest among the groups gnomAD compares: Non-Finnish European, 0.038%; no homozygotes.

Submissions (2):

Fulgent Genetics
Classification: Uncertain significance for Renal tubular dysgenesis of genetic origin. Last evaluated: 2024-03-25. Review status: criteria provided, single submitter. Criteria: ACMG Guidelines, 2015. Collection method: clinical testing. Allele origin: germline.

Labcorp Genetics (formerly Invitae), Labcorp
Classification: Uncertain significance. Last evaluated: 2022-04-07. Review status: criteria provided, single submitter. Criteria: Invitae Variant Classification Sherloc (09022015). Collection method: clinical testing. Allele origin: germline.
Comment: This sequence change replaces arginine, which is basic and polar, with proline, which is neutral and non-polar, at codon 4 of the AGT protein (p.Arg4Pro). This variant is present in population databases (rs61762541, gnomAD 0.02%). This variant has not been reported in the literature in individuals affected with AGT-related conditions. This variant is also known as R-30P. Advanced modeling of protein sequence and biophysical properties (such as structural, functional, and spatial information, amino acid conservation, physicochemical variation, residue mobility, and thermodynamic stability) performed at Invitae indicates that this missense variant is not expected to disrupt AGT protein function. Experimental studies have shown that this missense change affects AGT function (PMID: 10585456). In summary, the available evidence is currently insufficient to determine the role of this variant in disease. Therefore, it has been classified as a Variant of Uncertain Significance.

Literature cited by the submitters: PubMed 10585456 (cited by Labcorp Genetics (formerly Invitae), Labcorp).

NM_001384479.1(AGT):c.-17G>C

Gene: AGT (angiotensinogen; minus strand). Cytogenetic location: 1q42.2.
Variant type: single nucleotide variant.
Coding change: c.-17G>C on transcript NM_001384479.1 (MANE Select); 17 bases upstream of the start codon, G replaced by C.
Molecular consequence: 5 prime UTR variant.
Genome position (GRCh38, 1-based): chr1:230,710,840, C>G on the plus strand (G>C on the coding strand, the complement: AGT is on the minus strand). VCF-style: chr1-230710840-C-G. GRCh37 (hg19) VCF-style: chr1-230846586-C-G.
Other names: NM_000029.4:c.11G>C; c.-17G>C (NM_001382817.3).
Identifiers: ClinVar variation 2055818 (VCV002055818.2), dbSNP rs61762541, ClinGen allele CA1448409.